The following is an entry in ClinVar:

NM_014268.4(MAPRE2):c.930G>A (p.Pro310=)

Gene: MAPRE2 (microtubule associated protein RP/EB family member 2; plus strand). Cytogenetic location: 18q12.2.
Variant type: single nucleotide variant.
Coding change: c.930G>A on transcript NM_014268.4 (MANE Select); coding-DNA position 930, G replaced by A.
Protein change: p.Pro310=; no amino-acid change (proline 310 retained).
Molecular consequence: synonymous variant. On other transcripts: non-coding transcript variant (1).
Genome position (GRCh38, 1-based): chr18:35,140,315, G>A. VCF-style: chr18-35140315-G-A. GRCh37 (hg19) VCF-style: chr18-32720279-G-A.
Other names: c.801G>A, p.Pro267= (NM_001143826.3); c.894G>A, p.Pro298= (NM_001143827.3); c.771G>A, p.Pro257= (NM_001256420.2).
Identifiers: ClinVar variation 3905495 (VCV003905495.10).

ClinVar aggregate classification (germline): Likely benign (1 of 4 stars; one submission).

gnomAD v4.1: 82 of 1,613,714 alleles (0.0051%); highest among the groups gnomAD compares: Admixed American, 0.02%; no homozygotes.

Submission:

CeGaT Center for Human Genetics Tuebingen
Classification: Likely benign. Last evaluated: 2026-03-01. Review status: criteria provided, single submitter. Criteria: CeGaT Center For Human Genetics Tuebingen Variant Classification Criteria Version 2. Collection method: clinical testing. Allele origin: germline. Affected: yes. Observed: 2 variant alleles.
Comment: MAPRE2: BP4, BP7